The following is an entry in ClinVar:

ClinVar aggregate classification (germline): Benign. Review status: criteria provided, multiple submitters, no conflicts (2 of 4 stars). 2 submissions from 2 submitters: Benign (2). Last evaluated 2018-01-13.

Conditions:
Osteogenesis imperfecta type 7 (OI7). Also called: OI type 7; OI type VII; OSTEOGENESIS IMPERFECTA, TYPE IIB; Osteogenesis imperfecta type 2B; OI type 2B; Osteogenesis imperfecta, perinatal lethal autosomal recessive. Identifiers: MedGen C1853162, MONDO:0012536, OMIM 610682.

Allele frequency attached by ClinVar (database versions not stated): gnomAD 0.04484 and 0.04639; TOPMed 0.05134; 1000 Genomes Project 0.05731; 1000 Genomes Project 30x 0.06168.

Submissions (2):

Illumina Laboratory Services, Illumina
Classification: Benign for Osteogenesis imperfecta type 7. Last evaluated: 2018-01-13. Review status: criteria provided, single submitter. Criteria: ICSL Variant Classification Criteria 13 December 2019. Collection method: clinical testing. Allele origin: germline.
Comment: This variant was observed in the ICSL laboratory as part of a predisposition screen in an ostensibly healthy population. It had not been previously curated by ICSL or reported in the Human Gene Mutation Database (HGMD: prior to June 1st, 2018), and was therefore a candidate for classification through an automated scoring system. Utilizing variant allele frequency, disease prevalence and penetrance estimates, and inheritance mode, an automated score was calculated to assess if this variant is too frequent to cause the disease. Based on the score and internal cut-off values, a variant classified as benign is not then subjected to further curation. The score for this variant resulted in a classification of benign for this disease.

Breakthrough Genomics
Classification: Benign. Review status: criteria provided, single submitter. Criteria: ACMG Guidelines, 2015. Collection method: not provided. Allele origin: germline. Inheritance: Autosomal recessive inheritance. Affected: yes.

NM_006371.5(CRTAP):c.*4256A>G

Gene: CRTAP (cartilage associated protein; plus strand). Cytogenetic location: 3p22.3.
Variant type: single nucleotide variant.
Coding change: c.*4256A>G on transcript NM_006371.5 (MANE Select); 4256 bases downstream of the stop codon, A replaced by G.
Molecular consequence: 3 prime UTR variant.
Genome position (GRCh38, 1-based): chr3:33,146,704, A>G. VCF-style: chr3-33146704-A-G. GRCh37 (hg19) VCF-style: chr3-33188196-A-G.
Identifiers: ClinVar variation 344881 (VCV000344881.6), dbSNP rs56401432, ClinGen allele CA10616206.